The following is an entry in ClinVar:

ClinVar aggregate classification (germline): Uncertain significance (1 of 4 stars; one submission).

Conditions:
Neurofibromatosis, type 1 (NF1). Also called: Peripheral type neurofibromatosis; Neurofibromatosis, type I; NEUROFIBROMATOSIS, TYPE I, SOMATIC; VON RECKLINGHAUSEN DISEASE. Identifiers: Orphanet 636, MedGen C0027831, MONDO:0018975, OMIM 162200. Disease mechanism: loss of function.

Submission:

Labcorp Genetics (formerly Invitae), Labcorp
Classification: Uncertain significance for Neurofibromatosis, type 1. Last evaluated: 2025-07-30. Review status: criteria provided, single submitter. Criteria: Invitae Variant Classification Sherloc (09022015). Collection method: clinical testing. Allele origin: germline.
Comment: This sequence change replaces histidine, which is basic and polar, with tyrosine, which is neutral and polar, at codon 2110 of the NF1 protein (p.His2110Tyr). This variant is not present in population databases (gnomAD no frequency). This variant has not been reported in the literature in individuals affected with NF1-related conditions. Invitae Evidence Modeling of protein sequence and biophysical properties (such as structural, functional, and spatial information, amino acid conservation, physicochemical variation, residue mobility, and thermodynamic stability) indicates that this missense variant is expected to disrupt NF1 protein function with a positive predictive value of 95%. In summary, the available evidence is currently insufficient to determine the role of this variant in disease. Therefore, it has been classified as a Variant of Uncertain Significance.

NM_001042492.3(NF1):c.6391C>T (p.His2131Tyr)

Gene: NF1 (neurofibromin 1; plus strand). Cytogenetic location: 17q11.2.
Variant type: single nucleotide variant.
Coding change: c.6391C>T on transcript NM_001042492.3 (MANE Select); coding-DNA position 6391, C replaced by T.
Protein change: p.His2131Tyr; replaces histidine 2131 with tyrosine.
Molecular consequence: missense variant.
Genome position (GRCh38, 1-based): chr17:31,336,878, C>T. VCF-style: chr17-31336878-C-T. GRCh37 (hg19) VCF-style: chr17-29663896-C-T.
Other names: c.6328C>T, p.His2110Tyr (NM_000267.4); short protein forms H2110Y, H2131Y.
Identifiers: ClinVar variation 4812236 (VCV004812236.1).
Genomic context (GRCh38, chr17:31,336,878, plus strand): 5'-GTAGCCACAGGTCCGCTCTCCCTTAGAGCTTCCACACATGGACTGGTCATTAATATCATT[C>T]ACTCTCTGTGTACTTGTTCACAGCTTCATTTTAGTGGTAAGTTCTAGGAAAGGAATTTGT-3'
Protein context (NP_001035957.1, residues 2121-2141): STHGLVINII[His2131Tyr]SLCTCSQLHF